The following is an entry in ClinVar:

ClinVar aggregate classification (germline): Uncertain significance (1 of 4 stars; one submission).

Allele frequency attached by ClinVar (database versions not stated): gnomAD exomes below 0.00001 and 0.00001; TOPMed 0.00003.
gnomAD v4.1: 2 of 1,614,100 alleles (0.00012%); highest among the groups gnomAD compares: Admixed American, 0.0033%; no homozygotes.

Submission:

Labcorp Genetics (formerly Invitae), Labcorp
Classification: Uncertain significance. Last evaluated: 2022-07-26. Review status: criteria provided, single submitter. Criteria: Invitae Variant Classification Sherloc (09022015). Collection method: clinical testing. Allele origin: germline.
Comment: This sequence change replaces glutamic acid, which is acidic and polar, with lysine, which is basic and polar, at codon 484 of the LOXL3 protein (p.Glu484Lys). This variant is present in population databases (no rsID available, gnomAD 0.006%). This variant has not been reported in the literature in individuals affected with LOXL3-related conditions. ClinVar contains an entry for this variant (Variation ID: 1372457). Algorithms developed to predict the effect of missense changes on protein structure and function (SIFT, PolyPhen-2, Align-GVGD) all suggest that this variant is likely to be tolerated. In summary, the available evidence is currently insufficient to determine the role of this variant in disease. Therefore, it has been classified as a Variant of Uncertain Significance.

NM_032603.5(LOXL3):c.1450G>A (p.Glu484Lys)

Gene: LOXL3 (lysyl oxidase like 3; minus strand). Cytogenetic location: 2p13.1.
Variant type: single nucleotide variant.
Coding change: c.1450G>A on transcript NM_032603.5 (MANE Select); coding-DNA position 1450, G replaced by A.
Protein change: p.Glu484Lys; replaces glutamic acid 484 with lysine.
Molecular consequence: missense variant.
Genome position (GRCh38, 1-based): chr2:74,535,421, C>T on the plus strand (G>A on the coding strand, the complement: LOXL3 is on the minus strand). VCF-style: chr2-74535421-C-T. GRCh37 (hg19) VCF-style: chr2-74762548-C-T.
Other names: c.1015G>A, p.Glu339Lys (NM_001289164.3); c.367G>A, p.Glu123Lys (NM_001289165.2); short protein forms E339K, E484K, E123K.
Identifiers: ClinVar variation 1372457 (VCV001372457.5), dbSNP rs1178246345, ClinGen allele CA347387580.